The following is an entry in ClinVar:

ClinVar aggregate classification (germline): Uncertain significance. Review status: criteria provided, multiple submitters, no conflicts (2 of 4 stars). 2 submissions from 2 submitters: Uncertain significance (2). Last evaluated 2024-05-28.

Conditions:
Kleefstra syndrome 1 (KLEFS1). Identifiers: Orphanet 261494, MedGen C0795833, MONDO:0027407, OMIM 610253.

Submissions (2):

GeneDx
Classification: Uncertain significance. Last evaluated: 2024-05-28. Review status: criteria provided, single submitter. Criteria: GeneDx Variant Classification Process June 2021. Collection method: clinical testing. Allele origin: germline. Affected: yes.
Comment: Not observed at significant frequency in large population cohorts (gnomAD); In silico analysis supports that this missense variant has a deleterious effect on protein structure/function; Has not been previously published as pathogenic or benign to our knowledge

Labcorp Genetics (formerly Invitae), Labcorp
Classification: Uncertain significance for Kleefstra syndrome 1. Last evaluated: 2018-12-15. Review status: criteria provided, single submitter. Criteria: Invitae Variant Classification Sherloc (09022015). Collection method: clinical testing. Allele origin: germline.
Comment: Algorithms developed to predict the effect of missense changes on protein structure and function are either unavailable or do not agree on the potential impact of this missense change (SIFT: "Deleterious"; PolyPhen-2: "Probably Damaging"; Align-GVGD: "Class C0"). In summary, the available evidence is currently insufficient to determine the role of this variant in disease. Therefore, it has been classified as a Variant of Uncertain Significance. This variant has not been reported in the literature in individuals with EHMT1-related conditions. This variant is not present in population databases (ExAC no frequency). This sequence change replaces glycine with tryptophan at codon 180 of the EHMT1 protein (p.Gly180Trp). The glycine residue is moderately conserved and there is a large physicochemical difference between glycine and tryptophan.

NM_024757.5(EHMT1):c.538G>T (p.Gly180Trp)

Gene: EHMT1 (euchromatic histone lysine methyltransferase 1; plus strand). Cytogenetic location: 9q34.3.
Variant type: single nucleotide variant.
Coding change: c.538G>T on transcript NM_024757.5 (MANE Select); coding-DNA position 538, G replaced by T.
Protein change: p.Gly180Trp; replaces glycine 180 with tryptophan.
Molecular consequence: missense variant.
Genome position (GRCh38, 1-based): chr9:137,717,078, G>T. VCF-style: chr9-137717078-G-T. GRCh37 (hg19) VCF-style: chr9-140611530-G-T.
Other names: c.538G>T, p.Gly180Trp (NM_001145527.2, NM_001354263.2, NM_001354611.2); c.445G>T, p.Gly149Trp (NM_001354259.2, NM_001354612.2); short protein forms G180W, G149W.
Identifiers: ClinVar variation 660519 (VCV000660519.11), dbSNP rs1588329836, ClinGen allele CA375765650.